The following is an entry in ClinVar:

NM_001378615.1(CC2D2A):c.4385G>A (p.Trp1462Ter)

Genes: CC2D2A (coiled-coil and C2 domain containing 2A; plus strand), FBXL5 (F-box and leucine rich repeat protein 5; minus strand). Cytogenetic location: 4p15.32.
Variant type: single nucleotide variant.
Coding change: c.4385G>A on transcript NM_001378615.1 (MANE Select); coding-DNA position 4385, G replaced by A.
Protein change: p.Trp1462Ter; replaces tryptophan 1462 with a stop codon.
Molecular consequence: nonsense.
Genome position (GRCh38, 1-based): chr4:15,596,155, G>A. VCF-style: chr4-15596155-G-A. GRCh37 (hg19) VCF-style: chr4-15597778-G-A.
Other names: c.4385G>A, p.Trp1462Ter (NM_001080522.2); c.4238G>A, p.Trp1413Ter (NM_001378617.1); short protein forms W1462*, W1413*.
Identifiers: ClinVar variation 4966605 (VCV004966605.2).

ClinVar aggregate classification (germline): Pathogenic/Likely pathogenic. Review status: criteria provided, multiple submitters, no conflicts (2 of 4 stars). 2 submissions from 2 submitters: Pathogenic (1); Likely pathogenic (1). Last evaluated 2026-03-18.

Conditions:
Joubert syndrome and related disorders. Identifiers: Orphanet 140874, MedGen C5679612, MONDO:0015369.
CC2D2A-related disorder. Also called: CC2D2A-related condition; CC2D2A-related disorders. Identifiers: MedGen CN239313.

Submissions (2):

Myriad Genetics, Inc.
Classification: Pathogenic for Joubert syndrome and related disorders. Last evaluated: 2026-03-18. Review status: criteria provided, single submitter. Criteria: Myriad Autosomal Dominant, Autosomal Recessive and X-Linked Classification Criteria (2023). Collection method: clinical testing. Allele origin: unknown.
Comment: NM_001080522.2(CC2D2A):c.4385G>A(W1462*) is expected to be pathogenic in the context of CC2D2A-related disorders. This variant is predicted to lead to an abnormal or absent protein product due to the creation of a premature termination codon in CC2D2A, a gene where loss-of-function variants are known to be pathogenic. Please note: this variant was assessed in the context of healthy population screening.

Blueprint Genetics
Classification: Likely pathogenic for CC2D2A-related disorders. Last evaluated: 2018-10-27. Review status: criteria provided, single submitter. Criteria: ACMG Guidelines, 2015. Collection method: clinical testing. Allele origin: germline. Affected: yes. Observed: 1 variant allele.